The following is an entry in ClinVar:

NM_203446.3(SYNJ1):c.*276del

Gene: SYNJ1 (synaptojanin 1; minus strand). Cytogenetic location: 21q22.11.
Variant type: Deletion.
Coding change: c.*276del on transcript NM_203446.3 (MANE Select); 276 bases downstream of the stop codon, one base deleted (T; older notation c.*276delT).
Molecular consequence: 3 prime UTR variant. On other transcripts: frameshift variant (2).
Genome position (GRCh38, 1-based): chr21:32,631,529, A deleted on the plus strand (T on the coding strand, the reverse complement: SYNJ1 is on the minus strand); the first of 3 consecutive A bases (chr21:32,631,529-32,631,531); deleting any one gives the same sequence. VCF-style (leftmost placement, unchanged base first): chr21-32631528-TA-T. GRCh37 (hg19) VCF-style: chr21-34003838-TA-T.
Other names: c.*274delT (NM_001160302.2); c.4047del, p.Phe1349fs (NM_001160306.2); c.4303delT, p.Phe1435Leufs (NM_003895.4); short protein forms F1349fs, F1435fs.
Identifiers: ClinVar variation 1009392 (VCV001009392.7), dbSNP rs1324658792, ClinGen allele CA638052136.

ClinVar aggregate classification (germline): Uncertain significance (1 of 4 stars; one submission).

Conditions:
Early-onset Parkinson disease 20. Also called: PARKINSON DISEASE 20, AUTOSOMAL RECESSIVE EARLY-ONSET. Identifiers: Orphanet 391411, MedGen C3809824, MONDO:0014233, OMIM 615530.
Developmental and epileptic encephalopathy, 53. Also called: Epileptic encephalopathy, early infantile, 53. Identifiers: MedGen C4479313, MONDO:0033362, OMIM 617389.

Submission:

Labcorp Genetics (formerly Invitae), Labcorp
Classification: Uncertain significance for Developmental and epileptic encephalopathy, 53; Early-onset Parkinson disease 20. Last evaluated: 2023-10-03. Review status: criteria provided, single submitter. Criteria: Invitae Variant Classification Sherloc (09022015). Collection method: clinical testing. Allele origin: germline.
Comment: This sequence change creates a premature translational stop signal (p.Phe1435Leufs*5) in the SYNJ1 gene. While this is not anticipated to result in nonsense mediated decay, it is expected to disrupt the last 178 amino acid(s) of the SYNJ1 protein. This variant is present in population databases (no rsID available, gnomAD 0.01%). This variant has not been reported in the literature in individuals affected with SYNJ1-related conditions. ClinVar contains an entry for this variant (Variation ID: 1009392). Experimental studies and prediction algorithms are not available or were not evaluated, and the functional significance of this variant is currently unknown. In summary, the available evidence is currently insufficient to determine the role of this variant in disease. Therefore, it has been classified as a Variant of Uncertain Significance.